The following is an entry in ClinVar:

ClinVar aggregate classification (germline): Conflicting classifications of pathogenicity. Review status: criteria provided, conflicting classifications (1 of 4 stars). 5 submissions from 5 submitters: Pathogenic (3); Uncertain significance (1). 1 of the submissions does not count toward it. Last evaluated 2025-05-15.

Conditions:
Fanconi anemia complementation group A (FANCA). Also called: FANCA-Related Fanconi Anemia; Fanconi anemia, group A. Identifiers: Orphanet 84, MedGen C3469521, MONDO:0009215, OMIM 227650.
Fanconi anemia (FA). Also called: Fanconi's anemia. Identifiers: Orphanet 84, MedGen C0015625, MeSH D005199, MONDO:0019391.
Hereditary cancer-predisposing syndrome. Also called: Hereditary neoplastic syndrome; Neoplastic Syndromes, Hereditary; Tumor predisposition; Hereditary Cancer Syndrome. Identifiers: Orphanet 140162, MedGen C0027672, MeSH D009386, MONDO:0015356.

Allele frequency attached by ClinVar (database versions not stated): gnomAD exomes below 0.00001; TOPMed below 0.00001; ExAC 0.00001; gnomAD 0.00001.
gnomAD v4.1: 3 of 1,614,108 alleles (0.00019%); highest among the groups gnomAD compares: Non-Finnish European, 0.00025%; no homozygotes.

Submissions (5):

GeneKor MSA
Classification: Pathogenic for Fanconi anemia complementation group A. Last evaluated: 2025-05-15. Review status: criteria provided, single submitter. Criteria: ACMG Guidelines, 2015. Collection method: clinical testing. Allele origin: germline. Affected: no.
Comment: This variant involves a single nucleotide substitution at position 2638 of the FANCA gene, resulting in the replacement of arginine with a premature stop codon at position 880 of the FANCA protein (p.Arg880*). The resulting protein is expected to be truncated and non-functional. This variant is present in population databases (rs762804216, gnomAD 0.0009%) and ClinVar contains an entry for this variant (VCV000836893.10). Based on the above evidence, this variant is classified as pathogenic.

Labcorp Genetics (formerly Invitae), Labcorp
Classification: Pathogenic for Fanconi anemia. Last evaluated: 2024-10-18. Review status: criteria provided, single submitter. Criteria: Invitae Variant Classification Sherloc (09022015). Collection method: clinical testing. Allele origin: germline.
Comment: This sequence change creates a premature translational stop signal (p.Arg880*) in the FANCA gene. It is expected to result in an absent or disrupted protein product. Loss-of-function variants in FANCA are known to be pathogenic (PMID: 19367192). This variant is present in population databases (rs762804216, gnomAD 0.0009%). This premature translational stop signal has been observed in individual(s) with Fanconi anemia (PMID: 17924555). This variant is also known as p.879X. ClinVar contains an entry for this variant (Variation ID: 836893). For these reasons, this variant has been classified as Pathogenic.

3billion
Classification: Pathogenic for Fanconi anemia complementation group A. Last evaluated: 2024-08-04. Review status: criteria provided, single submitter. Criteria: ACMG Guidelines, 2015. Collection method: clinical testing. Allele origin: germline. Affected: yes.
Comment: The variant is observed at an extremely low frequency in the gnomAD v4.0.0 dataset (total allele frequency: <0.001%). Predicted Consequence/Location: Stop-gained (nonsense): predicted to result in a loss or disruption of normal protein function through nonsense-mediated decay (NMD) or protein truncation. Multiple pathogenic variants are reported downstream of the variant. The variant has been reported to be associated with FANCA related disorder (ClinVar ID: VCV000836893 /PMID: 17924555). Therefore, this variant is classified as Pathogenic according to the recommendation of ACMG/AMP guideline.

Department of Pediatric Oncology,  Hematology and Clinical Immunology, University Clinics Duesseldorf
Classification: Uncertain significance for Hereditary cancer-predisposing syndrome. Review status: criteria provided, single submitter. Criteria: ACMG Guidelines, 2015. Collection method: research. Allele origin: paternal. Affected: yes. Observed: 1 heterozygote.

Leiden Open Variation Database
Classification: Pathogenic for Fanconi anemia complementation group A. Last evaluated: 2020-02-28. Review status: no assertion criteria provided. Collection method: curation. Allele origin: germline. Affected: yes. Not counted in ClinVar's aggregate classification.
Comment: Curator: Arleen D. Auerbach. Submitter to LOVD: Arleen D. Auerbach.

Literature cited by the submitters: PubMed 19367192 (cited by Labcorp Genetics (formerly Invitae), Labcorp); PubMed 17924555 (cited by Labcorp Genetics (formerly Invitae), Labcorp and 3billion).

NM_000135.4(FANCA):c.2638C>T (p.Arg880Ter)

Genes: FANCA (FA complementation group A; minus strand), LOC130059837 (ATAC-STARR-seq lymphoblastoid active region 11420; plus strand). Cytogenetic location: 16q24.3.
Variant type: single nucleotide variant.
Coding change: c.2638C>T on transcript NM_000135.4 (MANE Select); coding-DNA position 2638, C replaced by T.
Protein change: p.Arg880Ter; replaces arginine 880 with a stop codon.
Molecular consequence: nonsense.
Genome position (GRCh38, 1-based): chr16:89,765,030, G>A on the plus strand (C>T on the coding strand, the complement: FANCA is on the minus strand). VCF-style: chr16-89765030-G-A. GRCh37 (hg19) VCF-style: chr16-89831438-G-A.
Other names: c.2638C>T, p.Arg880Ter (NM_001286167.3); short protein forms R880*.
Identifiers: ClinVar variation 836893 (VCV000836893.13), dbSNP rs762804216, ClinGen allele CA8251607.